The following is an entry in ClinVar:

ClinVar aggregate classification (germline): Uncertain significance. Review status: criteria provided, multiple submitters, no conflicts (2 of 4 stars). 3 submissions from 3 submitters: Uncertain significance (3). Last evaluated 2025-11-11.

Conditions:
CREBBP-related disorder. Also called: CREBBP-related disorders; CREBBP-related condition.
Rubinstein-Taybi syndrome (RSTS). Identifiers: Orphanet 783, MedGen C0035934, MONDO:0019188.

gnomAD v4.1: 3 of 1,614,088 alleles (0.00019%); highest among the groups gnomAD compares: South Asian, 0.0011%; no homozygotes.

Submissions (3):

PreventionGenetics, part of Exact Sciences
Classification: Uncertain significance for CREBBP-related condition. Last evaluated: 2025-11-11. Review status: criteria provided, single submitter. Criteria: ACMG Guidelines, 2015. Collection method: clinical testing. Allele origin: germline.
Comment: The CREBBP c.1148C>T variant is predicted to result in the amino acid substitution p.Pro383Leu. To our knowledge, this variant has not been reported in the literature or in a large population database (gnomAD), indicating this variant is rare. At this time, the clinical significance of this variant is uncertain due to the absence of conclusive functional and genetic evidence.

Labcorp Genetics (formerly Invitae), Labcorp
Classification: Uncertain significance for Rubinstein-Taybi syndrome. Last evaluated: 2024-04-03. Review status: criteria provided, single submitter. Criteria: Invitae Variant Classification Sherloc (09022015). Collection method: clinical testing. Allele origin: germline.
Comment: This sequence change replaces proline, which is neutral and non-polar, with leucine, which is neutral and non-polar, at codon 383 of the CREBBP protein (p.Pro383Leu). This variant is not present in population databases (gnomAD no frequency). This variant has not been reported in the literature in individuals affected with CREBBP-related conditions. ClinVar contains an entry for this variant (Variation ID: 1017773). Advanced modeling of protein sequence and biophysical properties (such as structural, functional, and spatial information, amino acid conservation, physicochemical variation, residue mobility, and thermodynamic stability) performed at Invitae indicates that this missense variant is expected to disrupt CREBBP protein function with a positive predictive value of 95%. In summary, the available evidence is currently insufficient to determine the role of this variant in disease. Therefore, it has been classified as a Variant of Uncertain Significance.

GeneDx
Classification: Uncertain significance. Last evaluated: 2023-07-24. Review status: criteria provided, single submitter. Criteria: GeneDx Variant Classification Process June 2021. Collection method: clinical testing. Allele origin: germline. Affected: yes.
Comment: Not observed at significant frequency in large population cohorts (gnomAD); In silico analysis supports that this missense variant has a deleterious effect on protein structure/function; Has not been previously published as pathogenic or benign to our knowledge

NM_004380.3(CREBBP):c.1148C>T (p.Pro383Leu)

Gene: CREBBP (CREB binding lysine acetyltransferase; minus strand). Cytogenetic location: 16p13.3.
Variant type: single nucleotide variant.
Coding change: c.1148C>T on transcript NM_004380.3 (MANE Select); coding-DNA position 1148, C replaced by T.
Protein change: p.Pro383Leu; replaces proline 383 with leucine.
Molecular consequence: missense variant.
Genome position (GRCh38, 1-based): chr16:3,793,454, G>A on the plus strand (C>T on the coding strand, the complement: CREBBP is on the minus strand). VCF-style: chr16-3793454-G-A. GRCh37 (hg19) VCF-style: chr16-3843455-G-A.
Other names: c.1148C>T, p.Pro383Leu (NM_001079846.1); c.1148C>T (NM_004380.2); short protein forms P383L.
Identifiers: ClinVar variation 1017773 (VCV001017773.10), dbSNP rs2053545106, ClinGen allele CA394562704.